The following is an entry in ClinVar:

NM_006231.4(POLE):c.4150-5G>T

Gene: POLE (DNA polymerase epsilon, catalytic subunit; minus strand). Cytogenetic location: 12q24.33.
Variant type: single nucleotide variant.
Coding change: c.4150-5G>T on transcript NM_006231.4 (MANE Select); 5 bases into the intron before coding-DNA position 4150, G replaced by T.
Molecular consequence: intron variant.
Genome position (GRCh38, 1-based): chr12:132,643,982, C>A on the plus strand (G>T on the coding strand, the complement: POLE is on the minus strand). VCF-style: chr12-132643982-C-A. GRCh37 (hg19) VCF-style: chr12-133220568-C-A.
Other names: c.4150-5G>T (NM_006231.2).
Identifiers: ClinVar variation 1612055 (VCV001612055.9), dbSNP rs771624962, ClinGen allele CA2072984804.

ClinVar aggregate classification (germline): Conflicting classifications of pathogenicity. Review status: criteria provided, conflicting classifications (1 of 4 stars). 2 submissions from 2 submitters: Uncertain significance (1); Likely benign (1). Last evaluated 2026-06-16.

Conditions:
Hereditary cancer-predisposing syndrome. Also called: Tumor predisposition; Hereditary neoplastic syndrome; Neoplastic Syndromes, Hereditary; Hereditary Cancer Syndrome. Identifiers: Orphanet 140162, MedGen C0027672, MeSH D009386, MONDO:0015356.

gnomAD v4.1: 2 of 1,611,464 alleles (0.00012%); highest among the groups gnomAD compares: Non-Finnish European, 0.000085%; no homozygotes.

Submissions (2):

Ambry Genetics
Classification: Uncertain significance for Hereditary cancer-predisposing syndrome. Last evaluated: 2026-06-16. Review status: criteria provided, single submitter. Criteria: Ambry Variant Classification Scheme 2023. Collection method: clinical testing. Allele origin: germline.
Comment: The c.4150-5G>T intronic variant results from a G to T substitution 5 nucleotides upstream from coding exon 33 in the POLE gene. This nucleotide position is not well conserved in available vertebrate species. In silico splice site analysis predicts that this alteration will not have any significant effect on splicing. Based on the available evidence, the clinical significance of this variant remains unclear.

Labcorp Genetics (formerly Invitae), Labcorp
Classification: Likely benign. Last evaluated: 2025-11-03. Review status: criteria provided, single submitter. Criteria: Invitae Variant Classification Sherloc (09022015). Collection method: clinical testing. Allele origin: germline.